The following is an entry in ClinVar:

ClinVar aggregate classification (germline): Pathogenic/Likely pathogenic. Review status: criteria provided, multiple submitters, no conflicts (2 of 4 stars). 4 submissions from 4 submitters: Pathogenic (2); Likely pathogenic (1). 1 of the submissions does not count toward it. Last evaluated 2022-09-12.

Conditions:
DYRK1A-related intellectual disability syndrome (MRD7). Also called: Intellectual developmental disorder, autosomal dominant 7; DYRK1A Syndrome. Identifiers: Orphanet 464306, MedGen C5568143, MONDO:0013578, OMIM 614104.
Intellectual disability. Also called: Intellectual functioning disability; intellectual disabilities; Intellectual developmental disorder. Identifiers: MedGen C3714756, MeSH D008607, MONDO:0001071, HP:0001249.

Submissions (4):

GeneDx
Classification: Pathogenic. Last evaluated: 2022-09-12. Review status: criteria provided, single submitter. Criteria: GeneDx Variant Classification Process June 2021. Collection method: clinical testing. Allele origin: germline. Affected: yes.
Comment: Not observed in large population cohorts (gnomAD); In silico analysis supports that this missense variant has a deleterious effect on protein structure/function; Has not been previously published as pathogenic or benign to our knowledge

Labcorp Genetics (formerly Invitae), Labcorp
Classification: Pathogenic for DYRK1A-related intellectual disability syndrome. Last evaluated: 2021-11-10. Review status: criteria provided, single submitter. Criteria: Invitae Variant Classification Sherloc (09022015). Collection method: clinical testing. Allele origin: germline.
Comment: This sequence change replaces histidine, which is basic and polar, with arginine, which is basic and polar, at codon 285 of the DYRK1A protein (p.His285Arg). This variant is not present in population databases (gnomAD no frequency). This missense change has been observed in individual(s) with clinical features of DYRK1A-related conditions (Invitae). In at least one individual the variant was observed to be de novo. Advanced modeling of protein sequence and biophysical properties (such as structural, functional, and spatial information, amino acid conservation, physicochemical variation, residue mobility, and thermodynamic stability) performed at Invitae indicates that this missense variant is expected to disrupt DYRK1A protein function. For these reasons, this variant has been classified as Pathogenic.

Lifecell International Pvt. Ltd
Classification: Likely pathogenic for DYRK1A-related intellectual disability syndrome. Review status: criteria provided, single submitter. Criteria: ACMG Guidelines, 2015. Collection method: clinical testing. Allele origin: germline. Inheritance: Autosomal dominant inheritance. Affected: yes. Observed: 1 heterozygote.
Comment: A Heterozygous Missense variant c.854A>G in Exon 7 of the DYRK1A gene that results in the amino acid substitution p.His285Arg was identified. The observed variant is novel in gnomAD exomes and genomes. The severity of the impact of this variant on the protein is high, based on the effect of the protein and REVEL score. Rare Exome Variant Ensemble Learner (REVEL) is an ensembl method for predicting the pathogenicity of missense variants based on a combination of scores from 13 individual tools: MutPred, FATHMM v2.3, VEST 3.0, PolyPhen-2, SIFT, PROVEAN, MutationAssessor, MutationTaster, LRT, GERP++, SiPhy, phyloP, and phastCons. The REVEL score for an individual missense variant can range from 0 to 1, with higher scores reflecting greater likelihood that the variant is disease-causing. This variant lies in protein kinase domain. ClinVar has also classified this variant as Pathogenic [Variation ID: 1343233]. For these reasons, this variant has been classified as Likely Pathogenic.

Cytogénomique, Hospices Civils de Lyon
Classification: Likely pathogenic for Intellectual disability. Last evaluated: 2022-03-09. Review status: no assertion criteria provided. Collection method: clinical testing. Allele origin: de novo. Inheritance: Sporadic. Affected: yes. Observed: 1 variant allele, 1 heterozygote. Not counted in ClinVar's aggregate classification.
Comment: predicted deleterious, absent from gnomAD, de novo.

NM_001347721.2(DYRK1A):c.827A>G (p.His276Arg)

Gene: DYRK1A (dual specificity tyrosine phosphorylation regulated kinase 1A; plus strand). Cytogenetic location: 21q22.13.
Variant type: single nucleotide variant.
Coding change: c.827A>G on transcript NM_001347721.2 (MANE Select); coding-DNA position 827, A replaced by G.
Protein change: p.His276Arg; replaces histidine 276 with arginine.
Molecular consequence: missense variant.
Genome position (GRCh38, 1-based): chr21:37,490,364, A>G. VCF-style: chr21-37490364-A-G. GRCh37 (hg19) VCF-style: chr21-38862666-A-G.
Other names: c.827A>G, p.His276Arg (NM_001347722.2, NM_130436.2); c.740A>G, p.His247Arg (NM_001347723.2); c.854A>G, p.His285Arg (NM_001396.5, NM_101395.2, NM_130438.2); short protein forms H247R, H276R, H285R.
Identifiers: ClinVar variation 1343233 (VCV001343233.10), dbSNP rs2148612918, ClinGen allele CA409947704.